The following is an entry in ClinVar:

ClinVar aggregate classification (germline): Uncertain significance. Review status: criteria provided, multiple submitters, no conflicts (2 of 4 stars). 2 submissions from 2 submitters: Uncertain significance (2). Last evaluated 2024-11-27.

Conditions:
Inborn genetic diseases. Identifiers: MedGen C0950123, MeSH D030342.
Epilepsy, X-linked 1, with variable learning disabilities and behavior disorders. Also called: X-linked epilepsy-learning disabilities-behavior disorders syndrome. Identifiers: Orphanet 85294, MedGen C5774177, MONDO:0010339, OMIM 300491.

Submissions (2):

Ambry Genetics
Classification: Uncertain significance for Inborn genetic diseases. Last evaluated: 2024-11-27. Review status: criteria provided, single submitter. Criteria: Ambry Variant Classification Scheme 2023. Collection method: clinical testing. Allele origin: germline.
Comment: The c.952A>C (p.K318Q) alteration is located in exon 7 (coding exon 7) of the SYN1 gene. This alteration results from an A to C substitution at nucleotide position 952, causing the lysine (K) at amino acid position 318 to be replaced by a glutamine (Q). This variant was not reported in population-based cohorts in the Genome Aggregation Database (gnomAD). This amino acid position is highly conserved in available vertebrate species. The in silico prediction for this alteration is inconclusive. Based on insufficient or conflicting evidence, the clinical significance of this alteration remains unclear.

Labcorp Genetics (formerly Invitae), Labcorp
Classification: Uncertain significance for Epilepsy, X-linked 1, with variable learning disabilities and behavior disorders. Last evaluated: 2023-09-29. Review status: criteria provided, single submitter. Criteria: Invitae Variant Classification Sherloc (09022015). Collection method: clinical testing. Allele origin: germline.
Comment: In summary, the available evidence is currently insufficient to determine the role of this variant in disease. Therefore, it has been classified as a Variant of Uncertain Significance. An algorithm developed to predict the effect of missense changes on protein structure and function (PolyPhen-2) suggests that this variant is likely to be disruptive. This variant has not been reported in the literature in individuals affected with SYN1-related conditions. This variant is not present in population databases (gnomAD no frequency). This sequence change replaces lysine, which is basic and polar, with glutamine, which is neutral and polar, at codon 318 of the SYN1 protein (p.Lys318Gln).

Literature cited by the submitters: PubMed 36568968 (cited by Ambry Genetics).

NM_006950.3(SYN1):c.952A>C (p.Lys318Gln)

Gene: SYN1 (synapsin I; minus strand). Cytogenetic location: Xp11.3.
Variant type: single nucleotide variant.
Coding change: c.952A>C on transcript NM_006950.3 (MANE Select); coding-DNA position 952, A replaced by C.
Protein change: p.Lys318Gln; replaces lysine 318 with glutamine.
Molecular consequence: missense variant.
Genome position (GRCh38, 1-based): chrX:47,576,526, T>G on the plus strand (A>C on the coding strand, the complement: SYN1 is on the minus strand). VCF-style: chrX-47576526-T-G. GRCh37 (hg19) VCF-style: chrX-47435925-T-G.
Other names: c.952A>C, p.Lys318Gln (NM_133499.2); short protein forms K318Q.
Identifiers: ClinVar variation 2979752 (VCV002979752.4), dbSNP rs2519686932, ClinGen allele CA412826970.